The following is an entry in ClinVar:

NM_001079802.2(FKTN):c.330dup (p.Thr111fs)

Gene: FKTN (fukutin; plus strand). Cytogenetic location: 9q31.2.
Variant type: Duplication.
Coding change: c.330dup on transcript NM_001079802.2 (MANE Select); coding-DNA position 330, one base duplicated (T; older notation c.330dupT).
Protein change: p.Thr111fs; shifts the reading frame from threonine 111.
Molecular consequence: frameshift variant. On other transcripts: 5 prime UTR variant (4), non-coding transcript variant (2).
Genome position (GRCh38, 1-based): chr9:105,601,309, T duplicated; the last of 3 consecutive T bases (chr9:105,601,307-105,601,309); duplicating any one gives the same sequence. VCF-style (leftmost placement, unchanged base first): chr9-105601306-C-CT. GRCh37 (hg19) VCF-style: chr9-108363587-C-CT.
Other names: c.330dupT (NM_001079802.1); c.330dup, p.Thr111fs (NM_001198963.2, NM_001351496.2, NM_001351498.2 and 1 more transcripts); c.261dup, p.Thr88fs (NM_001351497.2); c.-185dup (NM_001351499.2, NM_001351500.2, NM_001351501.2 and 1 more transcripts); short protein forms T111fs, T88fs.
Identifiers: ClinVar variation 281839 (VCV000281839.18), dbSNP rs767865405, ClinGen allele CA5170370.
Genomic context (GRCh38, chr9:105,601,306, plus strand): 5'-AGTCAAAAATACTTCTCATGGCTCTACTTCACAATGCAAGTTTTTCTGTGTTCCAAGAGA[C>CT]TTTACTGCATTTGCACTGCAGTATCACCTATGGAAGAATGAGGTAAGTGACTTGCTTTCA-3'

ClinVar aggregate classification (germline): Pathogenic/Likely pathogenic. Review status: criteria provided, multiple submitters, no conflicts (2 of 4 stars). 6 submissions from 6 submitters: Pathogenic (2); Likely pathogenic (3). 1 of the submissions does not count toward it. Last evaluated 2026-01-14.

Conditions:
Muscular dystrophy-dystroglycanopathy (congenital with brain and eye anomalies), type A1 (MDDGA1). Also called: Muscular dystrophy-dystroglycanopathy (congenital with brain and eye anomalies), type A, 1; WALKER-WARBURG SYNDROME OR MUSCLE-EYE-BRAIN DISEASE, POMT1-RELATED; Hydrocephalus, agyria and retinal dysplasia; Hard +/- E syndrome; Warburg syndrome; Chemke syndrome. Identifiers: Orphanet 588, Orphanet 899, MedGen C4284790, MONDO:0009364, OMIM 236670.
Dilated cardiomyopathy 1X (CMD1X). Also called: CARDIOMYOPATHY, DILATED, WITH MILD OR NO PROXIMAL MUSCLE WEAKNESS; FKTN-Related Dilated Cardiomyopathy. Identifiers: Orphanet 154, MedGen C1969024, MONDO:0012704, OMIM 611615.
Muscular dystrophy-dystroglycanopathy (congenital without impaired intellectual development), type B, 4. Also called: Muscular dystrophy-dystroglycanopathy (congenital without intellectual disability), type B4; MUSCULAR DYSTROPHY, CONGENITAL, FKTN-RELATED. Identifiers: MedGen C2751052, MONDO:0013156, OMIM 613152.
Autosomal recessive limb-girdle muscular dystrophy type 2M. Also called: MUSCULAR DYSTROPHY-DYSTROGLYCANOPATHY (LIMB-GIRDLE), TYPE C, 4; MUSCULAR DYSTROPHY, LIMB-GIRDLE, TYPE 2M. Identifiers: Orphanet 206554, MedGen C1969040, MONDO:0012699, OMIM 611588.
Muscular dystrophy-dystroglycanopathy (congenital with brain and eye anomalies), type A, 4 (MDDGA4). Also called: WALKER-WARBURG SYNDROME OR MUSCLE-EYE-BRAIN DISEASE, FKTN-RELATED; Congenital muscular dystrophy-dystroglycanopathy with brain and eye anomalies, type A4; Muscular dystrophy, congenital progressive, with mental retardation; Muscular dystrophy, congenital, with central nervous system involvement; Cerebromuscular dystrophy, Fukuyama type; Fukuyama congenital muscular dystrophy. Identifiers: Orphanet 272, Orphanet 588, Orphanet 899, MedGen C0410174, MONDO:0009678, OMIM 253800.
Walker-Warburg congenital muscular dystrophy. Also called: Muscular dystrophy-dystroglycanopathy, type A; Walker-Warburg syndrome. Identifiers: Orphanet 899, MedGen C0265221, MONDO:0000171.

Submissions (6):

Natera, Inc.
Classification: Likely pathogenic for Walker-Warburg congenital muscular dystrophy. Last evaluated: 2026-01-14. Review status: criteria provided, single submitter. Criteria: Natera Variant Classification Schema (03/2026). Collection method: clinical testing. Allele origin: germline.
Comment: The c.330dup variant in FKTN is a frameshift variant predicted to shift the reading frame beginning at codon 111 and leads to a stop codon 13 codons downstream. This variant is expected to result in nonsense mediated decay, truncation, or a dysfunctional protein product. This variant is rare in the general population with a frequency below the threshold expected for the associated phenotype(s). Given the available evidence, this variant is classified as Likely Pathogenic.

Labcorp Genetics (formerly Invitae), Labcorp
Classification: Pathogenic for Walker-Warburg congenital muscular dystrophy. Last evaluated: 2025-09-22. Review status: criteria provided, single submitter. Criteria: Invitae Variant Classification Sherloc (09022015). Collection method: clinical testing. Allele origin: germline.
Comment: This sequence change creates a premature translational stop signal (p.Thr111Tyrfs*13) in the FKTN gene. It is expected to result in an absent or disrupted protein product. Loss-of-function variants in FKTN are known to be pathogenic (PMID: 17044012, 17878207, 18752264). This variant is present in population databases (rs767865405, gnomAD 0.003%). This variant has not been reported in the literature in individuals affected with FKTN-related conditions. ClinVar contains an entry for this variant (Variation ID: 281839). For these reasons, this variant has been classified as Pathogenic.

GeneDx
Classification: Likely pathogenic. Last evaluated: 2024-02-14. Review status: criteria provided, single submitter. Criteria: GeneDx Variant Classification Process June 2021. Collection method: clinical testing. Allele origin: germline. Affected: yes.
Comment: Has not been previously published as pathogenic or benign to our knowledge; Not observed at significant frequency in large population cohorts (gnomAD); Frameshift variant predicted to result in protein truncation or nonsense mediated decay in a gene for which loss-of-function is a known mechanism of disease; This variant is associated with the following publications: (PMID: 30564623)

Fulgent Genetics
Classification: Likely pathogenic for Muscular dystrophy-dystroglycanopathy (congenital with brain and eye anomalies), type A1; Muscular dystrophy-dystroglycanopathy (congenital with brain and eye anomalies), type A, 4; Autosomal recessive limb-girdle muscular dystrophy type 2M; Dilated cardiomyopathy 1X; Muscular dystrophy-dystroglycanopathy (congenital without impaired intellectual development), type B, 4. Last evaluated: 2021-09-12. Review status: criteria provided, single submitter. Criteria: ACMG Guidelines, 2015. Collection method: clinical testing. Allele origin: unknown.

Eurofins Ntd Llc (ga)
Classification: Pathogenic. Last evaluated: 2015-07-22. Review status: criteria provided, single submitter. Criteria: EGL Classification Definitions. Collection method: clinical testing. Allele origin: germline. Observed: 1 variant allele, 1 heterozygote.

Counsyl
Classification: Likely pathogenic for Muscular dystrophy-dystroglycanopathy (congenital with brain and eye anomalies), type A, 4. Last evaluated: 2016-04-08. Review status: no assertion criteria provided. Collection method: clinical testing. Allele origin: unknown. Not counted in ClinVar's aggregate classification.

Literature cited by the submitters: PubMed 17044012 (cited by Labcorp Genetics (formerly Invitae), Labcorp); PubMed 17878207 (cited by Labcorp Genetics (formerly Invitae), Labcorp); PubMed 18752264 (cited by Labcorp Genetics (formerly Invitae), Labcorp).